The following is an entry in ClinVar:

NM_005458.8(GABBR2):c.1198C>G (p.Leu400Val)

Gene: GABBR2 (gamma-aminobutyric acid type B receptor subunit 2; minus strand). Cytogenetic location: 9q22.33.
Variant type: single nucleotide variant.
Coding change: c.1198C>G on transcript NM_005458.8 (MANE Select); coding-DNA position 1198, C replaced by G.
Protein change: p.Leu400Val; replaces leucine 400 with valine.
Molecular consequence: missense variant.
Genome position (GRCh38, 1-based): chr9:98,454,019, G>C on the plus strand (C>G on the coding strand, the complement: GABBR2 is on the minus strand). VCF-style: chr9-98454019-G-C. GRCh37 (hg19) VCF-style: chr9-101216301-G-C.
Other names: short protein forms L400V.
Identifiers: ClinVar variation 2092098 (VCV002092098.4), dbSNP rs1826280802, ClinGen allele CA374350367.

ClinVar aggregate classification (germline): Uncertain significance (1 of 4 stars; one submission).

Conditions:
Epileptic encephalopathy. Identifiers: MedGen C0543888, HP:0200134.

Allele frequency attached by ClinVar (database versions not stated): TOPMed below 0.00001; gnomAD 0.00001.
gnomAD v4.1: 1 of 1,614,046 alleles (0.000062%); highest among the groups gnomAD compares: African/African-American, 0.0013%; no homozygotes.

Submission:

Labcorp Genetics (formerly Invitae), Labcorp
Classification: Uncertain significance for Epileptic encephalopathy. Last evaluated: 2024-10-29. Review status: criteria provided, single submitter. Criteria: Invitae Variant Classification Sherloc (09022015). Collection method: clinical testing. Allele origin: germline.
Comment: This sequence change replaces leucine, which is neutral and non-polar, with valine, which is neutral and non-polar, at codon 400 of the GABBR2 protein (p.Leu400Val). This variant is not present in population databases (gnomAD no frequency). This variant has not been reported in the literature in individuals affected with GABBR2-related conditions. ClinVar contains an entry for this variant (Variation ID: 2092098). Invitae Evidence Modeling of protein sequence and biophysical properties (such as structural, functional, and spatial information, amino acid conservation, physicochemical variation, residue mobility, and thermodynamic stability) indicates that this missense variant is not expected to disrupt GABBR2 protein function with a negative predictive value of 80%. In summary, the available evidence is currently insufficient to determine the role of this variant in disease. Therefore, it has been classified as a Variant of Uncertain Significance.